The following is an entry in ClinVar:

NM_000071.3(CBS):c.210-44dup

Gene: CBS (cystathionine beta-synthase; minus strand). Cytogenetic location: 21q22.3.
Variant type: Duplication.
Coding change: c.210-44dup on transcript NM_000071.3 (MANE Select); 44 bases into the intron before coding-DNA position 210, one base duplicated (T; older notation c.210-44dupT).
Molecular consequence: intron variant.
Genome position (GRCh38, 1-based): chr21:43,068,646, A duplicated on the plus strand (T on the coding strand, the reverse complement: CBS is on the minus strand); the first of 14 consecutive A bases (chr21:43,068,646-43,068,659); duplicating any one gives the same sequence. VCF-style (leftmost placement, unchanged base first): chr21-43068645-G-GA. GRCh37 (hg19) VCF-style: chr21-44488755-G-GA.
Other names: p.?; c.210-44dup (NM_001320298.2, NM_001178009.3, NM_001178008.3); c.210-31dup (NM_000071.2).
Identifiers: ClinVar variation 1264902 (VCV001264902.3), dbSNP rs5844149, ClinGen allele CA321100532.

ClinVar aggregate classification (germline): Benign/Likely benign. Review status: criteria provided, multiple submitters, no conflicts (2 of 4 stars). 2 submissions from 2 submitters: Benign (1); Likely benign (1). Last evaluated 2025-06-06.

Submissions (2):

Mayo Clinic Laboratories, Mayo Clinic
Classification: Likely benign. Last evaluated: 2025-06-06. Review status: criteria provided, single submitter. Criteria: ACMG Guidelines, 2015. Collection method: clinical testing. Allele origin: germline. Observed: 477 variant alleles.
Comment: BP4, BP7

GeneDx
Classification: Benign. Last evaluated: 2019-08-14. Review status: criteria provided, single submitter. Criteria: GeneDx Variant Classification Process June 2021. Collection method: clinical testing. Allele origin: germline. Affected: yes.